The following is an entry in ClinVar:

NM_001376.5(DYNC1H1):c.2971A>G (p.Met991Val)

Gene: DYNC1H1 (dynein cytoplasmic 1 heavy chain 1; plus strand). Cytogenetic location: 14q32.31.
Variant type: single nucleotide variant.
Coding change: c.2971A>G on transcript NM_001376.5 (MANE Select); coding-DNA position 2971, A replaced by G.
Protein change: p.Met991Val; replaces methionine 991 with valine.
Molecular consequence: missense variant.
Genome position (GRCh38, 1-based): chr14:101,991,629, A>G. VCF-style: chr14-101991629-A-G. GRCh37 (hg19) VCF-style: chr14-102457966-A-G.
Other names: short protein forms M991V.
Identifiers: ClinVar variation 373641 (VCV000373641.8), dbSNP rs1057518524, ClinGen allele CA16042925.

ClinVar aggregate classification (germline): Uncertain significance. Review status: criteria provided, multiple submitters, no conflicts (2 of 4 stars). 3 submissions from 3 submitters: Uncertain significance (2). 1 of the submissions does not count toward it. Last evaluated 2022-03-27.

Conditions:
Neurodevelopmental abnormality. Identifiers: MedGen C4022737, HP:0012759.
Charcot-Marie-Tooth disease axonal type 2O. Also called: Charcot-Marie-Tooth Neuropathy Type 2O; CHARCOT-MARIE-TOOTH NEUROPATHY, AXONAL, TYPE 2O; CHARCOT-MARIE-TOOTH DISEASE, AXONAL, AUTOSOMAL DOMINANT, TYPE 2O; Charcot-Marie-Tooth disease, axonal, type 20. Identifiers: Orphanet 284232, MedGen C3280220, MONDO:0013644, OMIM 614228.

gnomAD v4.1: 3 of 1,614,178 alleles (0.00019%); highest among the groups gnomAD compares: Non-Finnish European, 0.00025%; no homozygotes.

Submissions (3):

Labcorp Genetics (formerly Invitae), Labcorp
Classification: Uncertain significance for Charcot-Marie-Tooth disease axonal type 2O. Last evaluated: 2022-03-27. Review status: criteria provided, single submitter. Criteria: Invitae Variant Classification Sherloc (09022015). Collection method: clinical testing. Allele origin: germline.
Comment: ClinVar contains an entry for this variant (Variation ID: 373641). This sequence change replaces methionine, which is neutral and non-polar, with valine, which is neutral and non-polar, at codon 991 of the DYNC1H1 protein (p.Met991Val). This variant is not present in population databases (gnomAD no frequency). This variant has not been reported in the literature in individuals affected with DYNC1H1-related conditions. Advanced modeling of protein sequence and biophysical properties (such as structural, functional, and spatial information, amino acid conservation, physicochemical variation, residue mobility, and thermodynamic stability) performed at Invitae indicates that this missense variant is not expected to disrupt DYNC1H1 protein function. Algorithms developed to predict the effect of sequence changes on RNA splicing suggest that this variant may create or strengthen a splice site. In summary, the available evidence is currently insufficient to determine the role of this variant in disease. Therefore, it has been classified as a Variant of Uncertain Significance.

GeneDx
Classification: Uncertain significance. Last evaluated: 2016-11-29. Review status: criteria provided, single submitter. Criteria: GeneDx Variant Classification (06012015). Collection method: clinical testing. Allele origin: germline. Affected: yes.
Comment: A variant of uncertain significance has been identified in the DYNC1H1 gene. The M991V variant has not been published as a pathogenic variant, nor has it been reported as a benign variant to our knowledge. The M991V variant is not observed in large population cohorts (Lek et al., 2016; 1000 Genomes Consortium et al., 2015; Exome Variant Server). The M991V variant is a conservative amino acid substitution, which is not likely to impact secondary protein structure as these residues share similar properties. This substitution occurs at a position that is not conserved. However, in silico analysis is inconsistent in its predictions as to whether or not the variant is damaging to the protein structure/function. Therefore, based on the currently available information, it is unclear whether this variant is a pathogenic variant or a rare benign variant.

Department of Genetics, Rouen University Hospital, Normandy Center for Genomic and Personalized Medicine
Classification: Likely benign for Neurodevelopmental abnormality. Last evaluated: 2020-04-03. Review status: no assertion criteria provided. Collection method: clinical testing. Allele origin: paternal. Affected: yes. Not counted in ClinVar's aggregate classification.